The following is an entry in ClinVar:

NM_033448.3(KRT71):c.1485C>T (p.Gly495=)

Gene: KRT71 (keratin 71; minus strand). Cytogenetic location: 12q13.13.
Variant type: single nucleotide variant.
Coding change: c.1485C>T on transcript NM_033448.3 (MANE Select); coding-DNA position 1485, C replaced by T.
Protein change: p.Gly495=; no amino-acid change (glycine 495 retained).
Molecular consequence: synonymous variant.
Genome position (GRCh38, 1-based): chr12:52,544,619, G>A on the plus strand (C>T on the coding strand, the complement: KRT71 is on the minus strand). VCF-style: chr12-52544619-G-A. GRCh37 (hg19) VCF-style: chr12-52938403-G-A.
Identifiers: ClinVar variation 3037078 (VCV003037078.4), dbSNP rs140307648, ClinGen allele CA6583028.

ClinVar aggregate classification (germline): Benign. Review status: criteria provided, single submitter (1 of 4 stars). 2 submissions from 2 submitters: Benign (1). 1 of the submissions does not count toward it. Last evaluated 2025-02-28.

Conditions:
KRT71-related disorder. Also called: KRT71-related condition.

Allele frequency attached by ClinVar (database versions not stated): gnomAD 0.00119; 1000 Genomes Project 0.00140; 1000 Genomes Project 30x 0.00156; gnomAD exomes 0.00012; ESP Exome Variant Server 0.00223; ExAC 0.00046; TOPMed 0.00138.
gnomAD v4.1: 360 of 1,613,990 alleles (0.022%); highest among the groups gnomAD compares: African/African-American, 0.44%; no homozygotes.

Submissions (2):

Labcorp Genetics (formerly Invitae), Labcorp
Classification: Benign. Last evaluated: 2025-02-28. Review status: criteria provided, single submitter. Criteria: Invitae Variant Classification Sherloc (09022015). Collection method: clinical testing. Allele origin: germline.

PreventionGenetics, part of Exact Sciences
Classification: Benign for KRT71-related condition. Last evaluated: 2020-01-02. Review status: no assertion criteria provided. Collection method: clinical testing. Allele origin: germline. Not counted in ClinVar's aggregate classification.
Comment: This variant is classified as benign based on ACMG/AMP sequence variant interpretation guidelines (Richards et al. 2015 PMID: 25741868, with internal and published modifications).